The following is an entry in ClinVar:

NM_000093.5(COL5A1):c.1703G>T (p.Gly568Val)

Gene: COL5A1 (collagen type V alpha 1 chain; plus strand). Cytogenetic location: 9q34.3.
Variant type: single nucleotide variant.
Coding change: c.1703G>T on transcript NM_000093.5 (MANE Select); coding-DNA position 1703, G replaced by T.
Protein change: p.Gly568Val; replaces glycine 568 with valine.
Molecular consequence: missense variant.
Genome position (GRCh38, 1-based): chr9:134,752,629, G>T. VCF-style: chr9-134752629-G-T. GRCh37 (hg19) VCF-style: chr9-137644475-G-T.
Other names: c.1703G>T, p.Gly568Val (NM_001278074.1); short protein forms G568V.
Identifiers: ClinVar variation 2431649 (VCV002431649.1), dbSNP rs2490595181, ClinGen allele CA375444295.

ClinVar aggregate classification (germline): Uncertain significance (1 of 4 stars; one submission).

Conditions:
Ehlers-Danlos syndrome, classic type, 1 (EDSCL1). Also called: EDS I; EHLERS-DANLOS SYNDROME, GRAVIS TYPE; EHLERS-DANLOS SYNDROME, SEVERE CLASSIC TYPE; Ehlers-Danlos syndrome, type 1; Ehlers-Danlos Syndrome, Classic Type, COL5A1-Related. Identifiers: MedGen C0268335, MONDO:0019567, OMIM 130000.

Submission:

Laboratorio de Genetica e Diagnostico Molecular, Hospital Israelita Albert Einstein
Classification: Uncertain significance for Ehlers-Danlos syndrome, classic type, 1. Last evaluated: 2022-09-09. Review status: criteria provided, single submitter. Criteria: ACMG Guidelines, 2015. Collection method: clinical testing. Allele origin: germline. Affected: yes. Observed: 1 variant allele.
Comment: ACMG classification criteria: PM2 moderated, PP3 supporting